The following is an entry in ClinVar:

NM_004304.5(ALK):c.1647+178A>G

Gene: ALK (ALK receptor tyrosine kinase; minus strand). Cytogenetic location: 2p23.2.
Variant type: single nucleotide variant.
Coding change: c.1647+178A>G on transcript NM_004304.5 (MANE Select); 178 bases into the intron after coding-DNA position 1647, A replaced by G.
Molecular consequence: intron variant.
Genome position (GRCh38, 1-based): chr2:29,318,126, T>C on the plus strand (A>G on the coding strand, the complement: ALK is on the minus strand). VCF-style: chr2-29318126-T-C. GRCh37 (hg19) VCF-style: chr2-29540992-T-C.
Identifiers: ClinVar variation 676902 (VCV000676902.2), dbSNP rs10189673, ClinGen allele CA11247901.

ClinVar aggregate classification (germline): Benign. Review status: criteria provided, multiple submitters, no conflicts (2 of 4 stars). 2 submissions from 2 submitters: Benign (2). Last evaluated 2018-06-16.

Allele frequency attached by ClinVar (database versions not stated): 1000 Genomes Project 0.04593; 1000 Genomes Project 30x 0.04888; gnomAD 0.06902 and 0.07231; TOPMed 0.06905.
gnomAD v4.1: 10,542 of 152,256 alleles (6.9%); highest among the groups gnomAD compares: Non-Finnish European, 7.7%; 403 homozygotes.

Submissions (2):

GeneDx
Classification: Benign. Last evaluated: 2018-06-16. Review status: criteria provided, single submitter. Criteria: GeneDx Variant Classification (06012015). Collection method: clinical testing. Allele origin: germline. Affected: yes.
Comment: This variant is considered likely benign or benign based on one or more of the following criteria: it is a conservative change, it occurs at a poorly conserved position in the protein, it is predicted to be benign by multiple in silico algorithms, and/or has population frequency not consistent with disease.

Breakthrough Genomics
Classification: Benign. Review status: criteria provided, single submitter. Criteria: ACMG Guidelines, 2015. Collection method: not provided. Allele origin: germline. Inheritance: Unknown mechanism. Affected: yes.